The following is an entry in ClinVar:

NM_000152.5(GAA):c.1101G>A (p.Trp367Ter)

Gene: GAA (alpha glucosidase; plus strand). Cytogenetic location: 17q25.3.
Variant type: single nucleotide variant.
Coding change: c.1101G>A on transcript NM_000152.5 (MANE Select); coding-DNA position 1101, G replaced by A.
Protein change: p.Trp367Ter; replaces tryptophan 367 with a stop codon.
Molecular consequence: nonsense.
Genome position (GRCh38, 1-based): chr17:80,108,514, G>A. VCF-style: chr17-80108514-G-A. GRCh37 (hg19) VCF-style: chr17-78082313-G-A.
Other names: c.1101G>A, p.Trp367Ter (NM_001079803.3, NM_001079804.3, NM_001406741.1 and 1 more transcripts); short protein forms W367*.
Identifiers: ClinVar variation 4876306 (VCV004876306.1).
Genomic context (GRCh38, chr17:80,108,514, plus strand): 5'-CCTCCCTCCCTCATGAAGTCGGCGTTGGCCTGCAGGATACCCGTTCATGCCGCCATACTG[G>A]GGCCTGGGCTTCCACCTGTGCCGCTGGGGCTACTCCTCCACCGCTATCACCCGCCAGGTG-3'

ClinVar aggregate classification (germline): Pathogenic (1 of 4 stars; one submission).

Conditions:
Glycogen storage disease, type II (IOPD). Also called: Pompe Disease; CARDIOMEGALIA GLYCOGENICA DIFFUSA; GLYCOGENOSIS, GENERALIZED, CARDIAC FORM; GSD II; POMPE DISEASE, INFANTILE-ONSET; GLYCOGEN STORAGE DISEASE II, INFANTILE-ONSET. Identifiers: Orphanet 365, MedGen C0017921, MONDO:0009290, OMIM 232300.

Submission:

Genomenon, Inc
Classification: Pathogenic for Glycogen storage disease, type II. Last evaluated: 2026-07-01. Review status: criteria provided, single submitter. Criteria: Genomenon Sequence Variant Interpretation Standards - Updated. Collection method: curation. Allele origin: germline. Affected: yes.
Comment: GAA p.Trp367Ter (c.1101G>A) is a nonsense variant that introduces a premature stop codon at amino acid position 367 and is predicted to result in a truncated or absent protein product. This variant has been observed in at least one proband with a GAA-related disorder (PMID:19046416). Functional studies have been reported (PMID:34606154). It is absent or not present at a significant frequency in gnomAD. In conclusion, we classify GAA p.Trp367Ter (c.1101G>A) as a pathogenic variant.

Literature cited by the submitters: PubMed 19046416; PubMed 34606154.